The following is an entry in ClinVar:

NM_005422.4(TECTA):c.2558A>G (p.Asn853Ser)

Genes: TBCEL-TECTA (TBCEL-TECTA readthrough; plus strand), TECTA (tectorin alpha; plus strand), LOC126861365 (P300/CBP strongly-dependent group 1 enhancer GRCh37_chr11:121000154-121001353; plus strand). Cytogenetic location: 11q23.3.
Variant type: single nucleotide variant.
Coding change: c.2558A>G on transcript NM_005422.4 (MANE Select); coding-DNA position 2558, A replaced by G.
Protein change: p.Asn853Ser; replaces asparagine 853 with serine.
Molecular consequence: missense variant.
Genome position (GRCh38, 1-based): chr11:121,129,828, A>G. VCF-style: chr11-121129828-A-G. GRCh37 (hg19) VCF-style: chr11-121000537-A-G.
Other names: c.3515A>G, p.Asn1172Ser (NM_001378761.1); short protein forms N1172S, N853S.
Identifiers: ClinVar variation 985687 (VCV000985687.6), dbSNP rs377546089, ClinGen allele CA6327016.

ClinVar aggregate classification (germline): Uncertain significance. Review status: criteria provided, multiple submitters, no conflicts (2 of 4 stars). 2 submissions from 2 submitters: Uncertain significance (2). Last evaluated 2022-08-02.

Conditions:
Inborn genetic diseases. Identifiers: MedGen C0950123, MeSH D030342.

Allele frequency attached by ClinVar (database versions not stated): ExAC 0.00001; gnomAD 0.00008; TOPMed 0.00007; gnomAD exomes 0.00001; ESP Exome Variant Server 0.00015.

Submissions (2):

Ambry Genetics
Classification: Uncertain significance for Inborn genetic diseases. Last evaluated: 2022-08-02. Review status: criteria provided, single submitter. Criteria: Ambry Variant Classification Scheme 2023. Collection method: clinical testing. Allele origin: germline.
Comment: The c.2558A>G (p.N853S) alteration is located in coding exon 9 of the TECTA gene. This alteration results from an A to G substitution at nucleotide position 2558, causing the asparagine (N) at amino acid position 853 to be replaced by a serine (S). Based on data from gnomAD, the G allele has an overall frequency of 0.002% (5/282892) total alleles studied. The highest observed frequency was 0.02% (5/24968) of African alleles. This amino acid position is highly conserved in available vertebrate species. This alteration is predicted to be tolerated by in silico analysis. Based on insufficient or conflicting evidence, the clinical significance of this alteration remains unclear.

Breakthrough Genomics
Classification: Uncertain significance. Review status: criteria provided, single submitter. Criteria: ACMG Guidelines, 2015. Collection method: not provided. Allele origin: germline. Inheritance: Autosomal recessive inheritance. Affected: yes.